The following is an entry in ClinVar:

NM_000188.3(HK1):c.1073G>A (p.Arg358His)

Gene: HK1 (hexokinase 1; plus strand). Cytogenetic location: 10q22.1.
Variant type: single nucleotide variant.
Coding change: c.1073G>A on transcript NM_000188.3 (MANE Select); coding-DNA position 1073, G replaced by A.
Protein change: p.Arg358His; replaces arginine 358 with histidine.
Molecular consequence: missense variant.
Genome position (GRCh38, 1-based): chr10:69,379,903, G>A. VCF-style: chr10-69379903-G-A. GRCh37 (hg19) VCF-style: chr10-71139659-G-A.
Other names: c.1073G>A (NM_000188.2); c.1085G>A, p.Arg362His (NM_001322364.2, NM_001358263.1, NM_033497.3 and 1 more transcripts); c.1178G>A, p.Arg393His (NM_001322365.2); c.989G>A, p.Arg330His (NM_001322366.1); c.977G>A, p.Arg326His (NM_001322367.1); c.1070G>A, p.Arg357His (NM_033496.3); c.1037G>A, p.Arg346His (NM_033500.2); short protein forms R357H, R362H, R393H, R326H, R330H, R346H, R358H.
Identifiers: ClinVar variation 2195024 (VCV002195024.7), dbSNP rs747980178, ClinGen allele CA5532505.

ClinVar aggregate classification (germline): Uncertain significance. Review status: criteria provided, multiple submitters, no conflicts (2 of 4 stars). 2 submissions from 2 submitters: Uncertain significance (2). Last evaluated 2025-12-08.

Conditions:
Inborn genetic diseases. Identifiers: MedGen C0950123, MeSH D030342.

Allele frequency attached by ClinVar (database versions not stated): gnomAD exomes below 0.00001; gnomAD 0.00001; TOPMed 0.00002; ExAC 0.00004.
gnomAD v4.1: 6 of 1,614,004 alleles (0.00037%); highest among the groups gnomAD compares: East Asian, 0.0022%; no homozygotes.

Submissions (2):

Ambry Genetics
Classification: Uncertain significance for Inborn genetic diseases. Last evaluated: 2025-12-08. Review status: criteria provided, single submitter. Criteria: Ambry Variant Classification Scheme 2023. Collection method: clinical testing. Allele origin: germline.

Labcorp Genetics (formerly Invitae), Labcorp
Classification: Uncertain significance. Last evaluated: 2022-07-03. Review status: criteria provided, single submitter. Criteria: Invitae Variant Classification Sherloc (09022015). Collection method: clinical testing. Allele origin: germline.
Comment: In summary, the available evidence is currently insufficient to determine the role of this variant in disease. Therefore, it has been classified as a Variant of Uncertain Significance. Algorithms developed to predict the effect of missense changes on protein structure and function are either unavailable or do not agree on the potential impact of this missense change (SIFT: "Deleterious"; PolyPhen-2: "Benign"; Align-GVGD: "Class C0"). This variant has not been reported in the literature in individuals affected with HK1-related conditions. This variant is present in population databases (rs747980178, gnomAD 0.02%). This sequence change replaces arginine, which is basic and polar, with histidine, which is basic and polar, at codon 358 of the HK1 protein (p.Arg358His).